The following is an entry in ClinVar:

NM_014727.3(KMT2B):c.3602dup (p.Met1202fs)

Gene: KMT2B (lysine methyltransferase 2B; plus strand). Cytogenetic location: 19q13.12.
Variant type: Duplication.
Coding change: c.3602dup on transcript NM_014727.3 (MANE Select); coding-DNA position 3602, one base duplicated (C; older notation c.3602dupC).
Protein change: p.Met1202fs; shifts the reading frame from methionine 1202.
Molecular consequence: frameshift variant.
Genome position (GRCh38, 1-based): chr19:35,725,293, C duplicated; the last of 6 consecutive C bases (chr19:35,725,288-35,725,293); duplicating any one gives the same sequence. VCF-style (leftmost placement, unchanged base first): chr19-35725287-G-GC. GRCh37 (hg19) VCF-style: chr19-36216188-G-GC.
Other names: short protein forms M1202fs.
Identifiers: ClinVar variation 4886521 (VCV004886521.2).

ClinVar aggregate classification (germline): Pathogenic (1 of 4 stars; one submission).

Submission:

Dasa
Classification: Pathogenic. Last evaluated: 2025-01-10. Review status: criteria provided, single submitter. Criteria: DASA Assertion Criteria. Collection method: clinical testing. Allele origin: germline.
Comment: NM_014727.3(KMT2B):c.3602dup (p.Met1202Aspfs*22) is a frameshift variant in KMT2B predicted to alter the reading frame and introduce a premature termination codon and is predicted to result in an absent or altered protein product. Loss of function is an established disease mechanism for KMT2B (PMID: 33098801; PMID: 33150406; PMID: 36288966). This variant has been recurrently observed in individuals with KMT2B-related disorders (PMID: 31388109; PMID: 32546208). This variant has been reported as a de novo occurrence in an affected individual (PMID: 31388109; PMID: 32546208). Also, this variant is rare in population databases. Based on the currently available evidence, this variant is classified as pathogenic.

Literature cited by the submitters: PubMed 31388109; PubMed 32546208; PubMed 33098801; PubMed 33150406; PubMed 36288966.